The following is an entry in ClinVar:

NM_138694.4(PKHD1):c.2507T>C (p.Val836Ala)

Gene: PKHD1 (PKHD1 ciliary IPT domain containing fibrocystin/polyductin; minus strand). Cytogenetic location: 6p12.2.
Variant type: single nucleotide variant.
Coding change: c.2507T>C on transcript NM_138694.4 (MANE Select); coding-DNA position 2507, T replaced by C.
Protein change: p.Val836Ala; replaces valine 836 with alanine.
Molecular consequence: missense variant.
Genome position (GRCh38, 1-based): chr6:52,046,089, A>G on the plus strand (T>C on the coding strand, the complement: PKHD1 is on the minus strand). VCF-style: chr6-52046089-A-G. GRCh37 (hg19) VCF-style: chr6-51910887-A-G.
Other names: c.2507T>C, p.Val836Ala (NM_170724.3); c.2507T>C (NM_170724.2); short protein forms V836A.
Identifiers: ClinVar variation 632491 (VCV000632491.51), dbSNP rs199568593, ClinGen allele CA3853194.

ClinVar aggregate classification (germline): Pathogenic/Likely pathogenic. Review status: criteria provided, multiple submitters, no conflicts (2 of 4 stars). 16 submissions from 16 submitters: Pathogenic (8); Likely pathogenic (6). 2 of the submissions do not count toward it. Last evaluated 2026-04-01.

Conditions:
PKHD1-related disorder. Also called: PKHD1-related condition.
Polycystic kidney disease 4 (PKD4). Also called: POLYCYSTIC KIDNEY DISEASE 4 WITH OR WITHOUT POLYCYSTIC LIVER DISEASE; POLYCYSTIC KIDNEY AND HEPATIC DISEASE 1; POLYCYSTIC KIDNEY DISEASE, INFANTILE, TYPE I; PKD3; Autosomal Recessive Polycystic Kidney Disease – PKHD1. Identifiers: MedGen C4540575, MONDO:0033004, OMIM 263200.
Autosomal recessive polycystic kidney disease (ARPKD). Also called: AR polycystic kidney disease. Identifiers: Orphanet 731, Orphanet 8378, MedGen C0085548, MeSH D017044, MONDO:0009889.

Allele frequency attached by ClinVar (database versions not stated): gnomAD exomes 0.00012 and 0.00008; 1000 Genomes Project 0.00020; 1000 Genomes Project 30x 0.00031; gnomAD 0.00002 and 0.00003; TOPMed 0.00006; ExAC 0.00009.
gnomAD v4.1: 176 of 1,613,562 alleles (0.011%); highest among the groups gnomAD compares: East Asian, 0.39%; 1 homozygote.

Submissions 1 to 10 of 16:

Victorian Clinical Genetics Services, Murdoch Childrens Research Institute
Classification: Pathogenic for Polycystic kidney disease 4. Last evaluated: 2026-04-01. Review status: criteria provided, single submitter. Criteria: ACMG Guidelines, 2015. Collection method: clinical testing. Allele origin: germline. Affected: yes.
Comment: This variant is classified as Pathogenic. Evidence in support of pathogenic classification: Variant is present in gnomAD (v4) <0.01 for a recessive condition (174 heterozygote(s), 1 homozygote(s)); This variant has strong previous evidence of pathogenicity in unrelated individuals. This variant has been reported in a compound heterozygous state in multiple affected individuals (PMIDs: 24710345, 34536170, VCGS). It has also been classified as likely pathogenic/pathogenic many times by clinical laboratories in ClinVar; Missense variant predicted to be damaging by in silico tool(s) or highly conserved with a major amino acid change. Additional information: Variant is predicted to result in a missense amino acid change from Val to Ala; This variant is heterozygous; This gene is associated with autosomal recessive disease; however, there are emerging reports of individuals with heterozygous variants developing liver cysts and nephrocalcinosis (PMID: 21945273, 36691356); Alternative amino acid change(s) at the same position are present in gnomAD (highest allele count: v4: 1 heterozygote(s), 0 homozygote(s)); Variant is not located in an established domain, motif, hotspot or informative constraint region; Loss of function is a known mechanism of disease in this gene and is associated with polycystic kidney disease 4, with or without hepatic disease (MIM#263200); Variants in this gene are known to have variable expressivity. Significant intrafamilial variability has been reported (PMID: 20301501). - Inheritance information for this variant is not currently available in this individual.

3billion
Classification: Pathogenic for Polycystic kidney disease 4. Last evaluated: 2026-01-21. Review status: criteria provided, single submitter. Criteria: ACMG Guidelines, 2015. Collection method: clinical testing. Allele origin: germline. Affected: yes.
Comment: The variant is observed at an extremely low frequency in the gnomAD v4.1.0 dataset (total allele frequency: 0.011%). Predicted Consequence/Location: Missense variant In silico tool prediction suggests damaging effect of the variant on gene or gene product [REVEL: 0.84 (>=0.6, sensitivity 0.68 and specificity 0.92)]. The same nucleotide change resulting in the same amino acid change has been previously reported as pathogenic/likely pathogenic with strong evidence (ClinVar ID: VCV000632491 /PMID: 24710345 /3billion dataset). The variant has been reported to be in trans with a pathogenic variant as either compound heterozygous or homozygous in at least 2 similarly affected unrelated individuals (PMID: 24710345, 34536170). Therefore, this variant is classified as Pathogenic according to the recommendation of ACMG/AMP guideline.

Labcorp Genetics (formerly Invitae), Labcorp
Classification: Pathogenic for Autosomal recessive polycystic kidney disease. Last evaluated: 2026-01-16. Review status: criteria provided, single submitter. Criteria: Invitae Variant Classification Sherloc (09022015). Collection method: clinical testing. Allele origin: germline.
Comment: This sequence change replaces valine, which is neutral and non-polar, with alanine, which is neutral and non-polar, at codon 836 of the PKHD1 protein (p.Val836Ala). This variant is present in population databases (rs199568593, gnomAD 0.1%). This missense change has been observed in individual(s) with autosomal recessive cystic kidney disease and in combination with other rare variants in PKHD1 in several individuals affected with autosomal recessive cystic kidney disease (PMID: 24710345, 25124979, 27491411, 29643536). In at least one individual the data is consistent with being in trans (on the opposite chromosome) from a pathogenic variant. ClinVar contains an entry for this variant (Variation ID: 632491). Invitae Evidence Modeling of protein sequence and biophysical properties (such as structural, functional, and spatial information, amino acid conservation, physicochemical variation, residue mobility, and thermodynamic stability) indicates that this missense variant is expected to disrupt PKHD1 protein function with a positive predictive value of 95%. For these reasons, this variant has been classified as Pathogenic.

Natera, Inc.
Classification: Pathogenic for Autosomal recessive polycystic kidney disease. Last evaluated: 2025-08-01. Review status: criteria provided, single submitter. Criteria: Natera Variant Classification Schema (03/2026). Collection method: clinical testing. Allele origin: germline.
Comment: The c.2507T>C variant in PKHD1 is a missense variant predicted to cause substitution of valine to alanine at amino acid 836. This variant is rare in the general population with a frequency below the threshold expected for the associated phenotype(s). This variant has been observed in one or more individuals affected with the associated recessive disease, as either homozygous or compound heterozygous with a second variant (PMID: 34536170). Computational prediction algorithms indicate this variant is likely to affect gene or protein function. Given the available evidence, this variant is classified as Pathogenic.

PreventionGenetics, part of Exact Sciences
Classification: Likely pathogenic for PKHD1-related condition. Last evaluated: 2025-07-25. Review status: criteria provided, single submitter. Criteria: ACMG Guidelines, 2015. Collection method: clinical testing. Allele origin: germline.
Comment: The PKHD1 c.2507T>C variant is predicted to result in the amino acid substitution p.Val836Ala. This variant has been reported in the compound heterozygous state in several unrelated individuals with PKHD1-related disease (see for example, Hao et al. 2014. PubMed ID: 24710345; Liu et al. 2014. PubMed ID: 25124979; Wang et al. 2021. PubMed ID: 33569422; Ishiko et al. 2022. PubMed ID: 34536170). This variant has been reported by multiple laboratories in ClinVar as pathogenic or likely pathogenic. This variant is reported in 0.11% of alleles in individuals of East Asian descent in gnomAD. This variant is interpreted as likely pathogenic.

GeneDx
Classification: Pathogenic. Last evaluated: 2025-07-22. Review status: criteria provided, single submitter. Criteria: GeneDx Variant Classification Process June 2021. Collection method: clinical testing. Allele origin: germline. Affected: yes.
Comment: In silico analysis supports that this missense variant has a deleterious effect on protein structure/function; This variant is associated with the following publications: (PMID: 25124979, 28851938, 26385851, 29643536, 33123899, 35257483, 33569422, 31328266, 35314707, 24710345, 32939031, 34536170, 27491411, 39397324, 37217505, 38388441, 37795942, 40236513)

Women's Health and Genetics/Laboratory Corporation of America, LabCorp
Classification: Pathogenic for Autosomal recessive polycystic kidney disease. Last evaluated: 2025-03-12. Review status: criteria provided, single submitter. Criteria: LabCorp Variant Classification Summary - May 2015. Collection method: clinical testing. Allele origin: germline.
Comment: Variant summary: PKHD1 c.2507T>C (p.Val836Ala) results in a non-conservative amino acid change in the encoded protein sequence. Three of five in-silico tools predict a damaging effect of the variant on protein function. The variant allele was found at a frequency of 8e-05 in 251222 control chromosomes, predominantly at a frequency of 0.0011 within the East Asian subpopulation in the gnomAD database. This frequency is not significantly higher than estimated for a pathogenic variant in PKHD1 causing Polycystic Kidney And Hepatic Disease (8e-05 vs 0.0071), allowing no conclusion about variant significance. c.2507T>C has been reported in the literature in multiple individuals affected with Polycystic Kidney And Hepatic Disease (e.g. Hao_2014, Qiu_2020, Ishiko_2022). These data indicate that the variant is very likely to be associated with disease. The following publications have been ascertained in the context of this evaluation (PMID: 24710345, 34536170, 33123899). ClinVar contains an entry for this variant (Variation ID: 632491). Based on the evidence outlined above, the variant was classified as pathogenic.

Fulgent Genetics
Classification: Likely pathogenic for Polycystic kidney disease 4. Last evaluated: 2024-04-16. Review status: criteria provided, single submitter. Criteria: ACMG Guidelines, 2015. Collection method: clinical testing. Allele origin: germline.

Blueprint Genetics
Classification: Pathogenic for PKHD1-related disorders. Last evaluated: 2024-04-09. Review status: criteria provided, single submitter. Criteria: ACMG Guidelines, 2015. Collection method: clinical testing. Allele origin: germline. Affected: yes. Observed: 5 variant alleles.

Revvity Omics, Revvity
Classification: Likely pathogenic for Polycystic kidney disease 4. Last evaluated: 2022-05-13. Review status: criteria provided, single submitter. Criteria: ACMG Guidelines, 2015. Collection method: clinical testing. Allele origin: germline.